The following is an entry in ClinVar:

ClinVar aggregate classification (germline): Conflicting classifications of pathogenicity. Review status: criteria provided, conflicting classifications (1 of 4 stars). 3 submissions from 3 submitters: Likely pathogenic (1); Uncertain significance (2). Last evaluated 2024-11-28.

Conditions:
Generalized epilepsy with febrile seizures plus, type 10. Also called: GEFS+, TYPE 10. Identifiers: MedGen C5193120, MONDO:0032777, OMIM 618482.
Early-infantile DEE. Also called: Early infantile epileptic encephalopathy with suppression bursts; Ohtahara syndrome; Early infantile epileptic encephalopathy. Identifiers: Orphanet 1934, MedGen C0393706, MONDO:0800491.

Submissions (3):

MVZ Martinsried, Medicover Genetics
Classification: Likely pathogenic for Generalized epilepsy with febrile seizures plus, type 10. Last evaluated: 2024-11-28. Review status: criteria provided, single submitter. Criteria: ACGS Guidelines, 2020. Collection method: clinical testing. Allele origin: de novo. Affected: yes.

Labcorp Genetics (formerly Invitae), Labcorp
Classification: Uncertain significance for Early-infantile DEE. Last evaluated: 2022-09-27. Review status: criteria provided, single submitter. Criteria: Invitae Variant Classification Sherloc (09022015). Collection method: clinical testing. Allele origin: germline.
Comment: This sequence change replaces arginine, which is basic and polar, with cysteine, which is neutral and slightly polar, at codon 255 of the HCN1 protein (p.Arg255Cys). This variant is not present in population databases (gnomAD no frequency). This variant has not been reported in the literature in individuals affected with HCN1-related conditions. ClinVar contains an entry for this variant (Variation ID: 1004454). Advanced modeling of protein sequence and biophysical properties (such as structural, functional, and spatial information, amino acid conservation, physicochemical variation, residue mobility, and thermodynamic stability) performed at Invitae indicates that this missense variant is expected to disrupt HCN1 protein function. In summary, the available evidence is currently insufficient to determine the role of this variant in disease. Therefore, it has been classified as a Variant of Uncertain Significance.

GeneDx
Classification: Uncertain significance. Last evaluated: 2021-05-20. Review status: criteria provided, single submitter. Criteria: GeneDx Variant Classification Process June 2021. Collection method: clinical testing. Allele origin: germline. Affected: yes.
Comment: Not observed in large population cohorts (Lek et al., 2016); In silico analysis, which includes protein predictors and evolutionary conservation, supports a deleterious effect; Has not been previously published as pathogenic or benign to our knowledge

NM_021072.4(HCN1):c.763C>T (p.Arg255Cys)

Gene: HCN1 (hyperpolarization activated cyclic nucleotide gated potassium channel 1; minus strand). Cytogenetic location: 5p12.
Variant type: single nucleotide variant.
Coding change: c.763C>T on transcript NM_021072.4 (MANE Select); coding-DNA position 763, C replaced by T.
Protein change: p.Arg255Cys; replaces arginine 255 with cysteine.
Molecular consequence: missense variant.
Genome position (GRCh38, 1-based): chr5:45,645,271, G>A on the plus strand (C>T on the coding strand, the complement: HCN1 is on the minus strand). VCF-style: chr5-45645271-G-A. GRCh37 (hg19) VCF-style: chr5-45645373-G-A.
Other names: short protein forms R255C.
Identifiers: ClinVar variation 1004454 (VCV001004454.13), dbSNP rs1745528455, ClinGen allele CA359707166.